The following is an entry in ClinVar:

ClinVar aggregate classification (germline): Likely benign. Review status: criteria provided, multiple submitters, no conflicts (2 of 4 stars). 2 submissions from 2 submitters: Likely benign (2). Last evaluated 2025-03-07.

Conditions:
Hypertrophic cardiomyopathy. Also called: HYPERTROPHIC MYOCARDIOPATHY. Identifiers: Orphanet 217569, MedGen C0007194, MeSH D002312, MONDO:0005045, HP:0001639.

gnomAD v4.1: 12 of 1,613,856 alleles (0.00074%); highest among the groups gnomAD compares: Middle Eastern, 0.016%; no homozygotes.

Submissions (2):

Labcorp Genetics (formerly Invitae), Labcorp
Classification: Likely benign for Hypertrophic cardiomyopathy. Last evaluated: 2025-03-07. Review status: criteria provided, single submitter. Criteria: Invitae Variant Classification Sherloc (09022015). Collection method: clinical testing. Allele origin: germline.

All of Us Research Program, National Institutes of Health
Classification: Likely benign for Hypertrophic cardiomyopathy. Last evaluated: 2023-06-26. Review status: criteria provided, single submitter. Criteria: ACMG Guidelines, 2015. Collection method: clinical testing. Allele origin: germline. Inheritance: Autosomal dominant inheritance. Observed: 1 variant allele, 1 heterozygote.
Comment: This study involves interpretation of variants in research participants for the purpose of population health screening. Participant phenotype was not available at the time of variant classification. Additional details can be found in publication PMID: 35346344, PMCID: PMC8962531

NM_001018005.2(TPM1):c.645G>T (p.Ser215=)

Gene: TPM1 (tropomyosin 1; plus strand). Cytogenetic location: 15q22.2.
Variant type: single nucleotide variant.
Coding change: c.645G>T on transcript NM_001018005.2 (MANE Select); coding-DNA position 645, G replaced by T.
Protein change: p.Ser215=; no amino-acid change (serine 215 retained).
Molecular consequence: synonymous variant.
Genome position (GRCh38, 1-based): chr15:63,062,220, G>T. VCF-style: chr15-63062220-G-T. GRCh37 (hg19) VCF-style: chr15-63354419-G-T.
Other names: c.645G>T, p.Ser215= (NM_000366.6, NM_001018004.2, NM_001018006.2 and 6 more transcripts); c.537G>T, p.Ser179= (NM_001018008.2, NM_001301289.2, NM_001330344.2 and 5 more transcripts); c.771G>T, p.Ser257= (NM_001365778.1).
Identifiers: ClinVar variation 1591060 (VCV001591060.9), dbSNP rs773403386, ClinGen allele CA272034053.
Genomic context (GRCh38, chr15:63,062,220, plus strand): 5'-GCCATGAGTAGATTGAGCTGCAGCCTGACATCTGGAATGCTCTTTCTAATTACAGTACTC[G>T]CAGAAGGAAGACAGATATGAGGAAGAGATCAAGGTCCTTTCCGACAAGCTGAAGGAGGTA-3'
Protein context (NP_001018005.1, residues 205-225): KSLEAQAEKY[Ser215=]QKEDRYEEEI